The following is an entry in ClinVar:

NM_017841.4(SDHAF2):c.109G>A (p.Gly37Ser)

Gene: SDHAF2 (succinate dehydrogenase complex assembly factor 2; plus strand). Cytogenetic location: 11q12.2.
Variant type: single nucleotide variant.
Coding change: c.109G>A on transcript NM_017841.4 (MANE Select); coding-DNA position 109, G replaced by A.
Protein change: p.Gly37Ser; replaces glycine 37 with serine.
Molecular consequence: missense variant.
Genome position (GRCh38, 1-based): chr11:61,437,697, G>A. VCF-style: chr11-61437697-G-A. GRCh37 (hg19) VCF-style: chr11-61205169-G-A.
Other names: short protein forms G37S.
Identifiers: ClinVar variation 2972578 (VCV002972578.4), dbSNP rs868016844, ClinGen allele CA222877291.
Genomic context (GRCh38, chr11:61,437,697, plus strand): 5'-TCAAGGCACAGCCTATTGTCTCCTTTGCTCAGTGTGACATCATTCAGACGCTTCTACAGA[G>A]GTGACAGCCCAACAGATTCCCAAAAGGACATGATTGAAATCCCTTTGCCTCCATGGCAGG-3'
Protein context (NP_060311.1, residues 27-47): SVTSFRRFYR[Gly37Ser]DSPTDSQKDM

ClinVar aggregate classification (germline): Uncertain significance. Review status: criteria provided, multiple submitters, no conflicts (2 of 4 stars). 2 submissions from 2 submitters: Uncertain significance (2). Last evaluated 2026-07-07.

Conditions:
Hereditary pheochromocytoma and paraganglioma. Also called: Hereditary Paraganglioma-Pheochromocytoma Syndromes; Hereditary paragangliomas and pheochromocytomas; Hereditary pheochromocytoma-paraganglioma. Identifiers: Orphanet 29072, MedGen C4274332, MONDO:0017366.
Hereditary cancer-predisposing syndrome. Also called: Hereditary Cancer Syndrome; Hereditary neoplastic syndrome; Neoplastic Syndromes, Hereditary; Tumor predisposition. Identifiers: Orphanet 140162, MedGen C0027672, MeSH D009386, MONDO:0015356.

Submissions (2):

Ambry Genetics
Classification: Uncertain significance for Hereditary cancer-predisposing syndrome. Last evaluated: 2026-07-07. Review status: criteria provided, single submitter. Criteria: Ambry Variant Classification Scheme 2023. Collection method: clinical testing. Allele origin: germline.
Comment: The p.G37S variant (also known as c.109G>A), located in coding exon 2 of the SDHAF2 gene, results from a G to A substitution at nucleotide position 109. The glycine at codon 37 is replaced by serine, an amino acid with similar properties. This amino acid position is conserved. In addition, the in silico prediction for this alteration is inconclusive. Based on the available evidence, the clinical significance of this variant remains unclear.

Labcorp Genetics (formerly Invitae), Labcorp
Classification: Uncertain significance for Hereditary pheochromocytoma and paraganglioma. Last evaluated: 2023-05-31. Review status: criteria provided, single submitter. Criteria: Invitae Variant Classification Sherloc (09022015). Collection method: clinical testing. Allele origin: germline.
Comment: In summary, the available evidence is currently insufficient to determine the role of this variant in disease. Therefore, it has been classified as a Variant of Uncertain Significance. An algorithm developed to predict the effect of missense changes on protein structure and function (PolyPhen-2) suggests that this variant is likely to be tolerated. This variant has not been reported in the literature in individuals affected with SDHAF2-related conditions. This variant is not present in population databases (gnomAD no frequency). This sequence change replaces glycine, which is neutral and non-polar, with serine, which is neutral and polar, at codon 37 of the SDHAF2 protein (p.Gly37Ser).